The following is an entry in ClinVar:

NM_001458.5(FLNC):c.4678G>C (p.Val1560Leu)

Gene: FLNC (filamin C; plus strand). Cytogenetic location: 7q32.1.
Variant type: single nucleotide variant.
Coding change: c.4678G>C on transcript NM_001458.5 (MANE Select); coding-DNA position 4678, G replaced by C.
Protein change: p.Val1560Leu; replaces valine 1560 with leucine.
Molecular consequence: missense variant.
Genome position (GRCh38, 1-based): chr7:128,848,658, G>C. VCF-style: chr7-128848658-G-C. GRCh37 (hg19) VCF-style: chr7-128488712-G-C.
Other names: c.4678G>C, p.Val1560Leu (NM_001127487.2); short protein forms V1560L.
Identifiers: ClinVar variation 1446455 (VCV001446455.14), dbSNP rs1351915127, ClinGen allele CA369202714.

ClinVar aggregate classification (germline): Conflicting classifications of pathogenicity. Review status: criteria provided, conflicting classifications (1 of 4 stars). 5 submissions from 5 submitters: Uncertain significance (4); Likely benign (1). Last evaluated 2026-06-29.

Conditions:
FLNC-related disorder. Also called: FLNC-related condition; FLNC-related disorders.
Cardiovascular phenotype. Identifiers: MedGen CN230736.
Hypertrophic cardiomyopathy 26. Also called: Cardiomyopathy, familial hypertrophic, 26. Identifiers: Orphanet 75249, MedGen C4310749, MONDO:0014883, OMIM 617047.
Distal myopathy with posterior leg and anterior hand involvement. Also called: WILLIAMS DISTAL MYOPATHY. Identifiers: Orphanet 63273, MedGen C3279722, MONDO:0013550, OMIM 614065.
Myofibrillar myopathy 5. Also called: Filaminopathy (type); FILAMINOPATHY, AUTOSOMAL DOMINANT. Identifiers: Orphanet 171445, MedGen C1836050, MONDO:0012289, OMIM 609524.

Allele frequency attached by ClinVar (database versions not stated): gnomAD exomes 0.00001.
gnomAD v4.1: 9 of 1,613,470 alleles (0.00056%); highest among the groups gnomAD compares: African/African-American, 0.0093%; no homozygotes.

Submissions (5):

PreventionGenetics, part of Exact Sciences
Classification: Uncertain significance for FLNC-related condition. Last evaluated: 2026-06-29. Review status: criteria provided, single submitter. Criteria: ACMG Guidelines, 2015. Collection method: clinical testing. Allele origin: germline.
Comment: The FLNC c.4678G>C variant is predicted to result in the amino acid substitution p.Val1560Leu. To our knowledge, this variant has not been reported in the literature. This variant is reported in 0.012% of alleles in individuals of African descent in gnomAD, which may be too common to be a primary cause of disease. Although we suspect that this variant may be benign, at this time, the clinical significance of this variant is uncertain due to the absence of conclusive functional and genetic evidence.

Labcorp Genetics (formerly Invitae), Labcorp
Classification: Likely benign for Distal myopathy with posterior leg and anterior hand involvement; Myofibrillar myopathy 5; Hypertrophic cardiomyopathy 26. Last evaluated: 2026-01-18. Review status: criteria provided, single submitter. Criteria: Invitae Variant Classification Sherloc (09022015). Collection method: clinical testing. Allele origin: germline.

GeneDx
Classification: Uncertain significance. Last evaluated: 2025-10-03. Review status: criteria provided, single submitter. Criteria: GeneDx Variant Classification Process June 2021. Collection method: clinical testing. Allele origin: germline. Affected: yes.
Comment: Not observed at significant frequency in large population cohorts (gnomAD); In silico analysis suggests that this missense variant does not alter protein structure/function; Has not been previously published as pathogenic or benign to our knowledge

Ambry Genetics
Classification: Uncertain significance for Cardiovascular phenotype. Last evaluated: 2024-10-19. Review status: criteria provided, single submitter. Criteria: Ambry Variant Classification Scheme 2023. Collection method: clinical testing. Allele origin: germline.
Comment: The p.V1560L variant (also known as c.4678G>C), located in coding exon 27 of the FLNC gene, results from a G to C substitution at nucleotide position 4678. The valine at codon 1560 is replaced by leucine, an amino acid with highly similar properties. This amino acid position is well conserved in available vertebrate species. In addition, the in silico prediction for this alteration is inconclusive. Since supporting evidence is limited at this time, the clinical significance of this alteration remains unclear.

Revvity Omics, Revvity
Classification: Uncertain significance. Last evaluated: 2020-02-14. Review status: criteria provided, single submitter. Criteria: ACMG Guidelines, 2015. Collection method: clinical testing. Allele origin: germline.